The following is an entry in ClinVar:

NM_004168.4(SDHA):c.988T>A (p.Tyr330Asn)

Gene: SDHA (succinate dehydrogenase complex flavoprotein subunit A; plus strand). Cytogenetic location: 5p15.33.
Variant type: single nucleotide variant.
Coding change: c.988T>A on transcript NM_004168.4 (MANE Select); coding-DNA position 988, T replaced by A.
Protein change: p.Tyr330Asn; replaces tyrosine 330 with asparagine.
Molecular consequence: missense variant.
Genome position (GRCh38, 1-based): chr5:233,569, T>A. VCF-style: chr5-233569-T-A. GRCh37 (hg19) VCF-style: chr5-233684-T-A.
Other names: c.844T>A, p.Tyr282Asn (NM_001294332.2); c.988T>A, p.Tyr330Asn (NM_001330758.2); short protein forms Y330N, Y282N.
Identifiers: ClinVar variation 2036434 (VCV002036434.4), dbSNP rs2477349566, ClinGen allele CA359012783.
Genomic context (GRCh38, chr5:233,569, plus strand): 5'-GGATGTCGTGGAGAGGGAGGCATTCTCATTAACAGTCAAGGCGAAAGGTTTATGGAGCGA[T>A]ACGCCCCTGTCGCGAAGGACCTGGCGTCTAGAGATGTGGTGTCTCGGTCCATGACTCTGG-3'
Protein context (NP_004159.2, residues 320-340): NSQGERFMER[Tyr330Asn]APVAKDLASR

ClinVar aggregate classification (germline): Uncertain significance (1 of 4 stars; one submission).

Conditions:
Pheochromocytoma/paraganglioma syndrome 5. Also called: Paragangliomas 5; SDHA-Related Hereditary Paraganglioma-Pheochromocytoma Syndrome. Identifiers: Orphanet 29072, MedGen C3279992, MONDO:0013602, OMIM 614165.
Mitochondrial complex II deficiency, nuclear type 1. Also called: SUCCINATE CoQ REDUCTASE DEFICIENCY. Identifiers: Orphanet 3208, MedGen C5700310, MONDO:0100294, OMIM 252011.

Submission:

Labcorp Genetics (formerly Invitae), Labcorp
Classification: Uncertain significance for Pheochromocytoma/paraganglioma syndrome 5; Mitochondrial complex II deficiency, nuclear type 1. Last evaluated: 2022-07-26. Review status: criteria provided, single submitter. Criteria: Invitae Variant Classification Sherloc (09022015). Collection method: clinical testing. Allele origin: germline.
Comment: This sequence change replaces tyrosine, which is neutral and polar, with asparagine, which is neutral and polar, at codon 330 of the SDHA protein (p.Tyr330Asn). This variant is not present in population databases (gnomAD no frequency). In summary, the available evidence is currently insufficient to determine the role of this variant in disease. Therefore, it has been classified as a Variant of Uncertain Significance. Advanced modeling of protein sequence and biophysical properties (such as structural, functional, and spatial information, amino acid conservation, physicochemical variation, residue mobility, and thermodynamic stability) performed at Invitae indicates that this missense variant is expected to disrupt SDHA protein function. This variant has not been reported in the literature in individuals affected with SDHA-related conditions.